The following is an entry in ClinVar:

ClinVar aggregate classification (germline): Uncertain significance. Review status: criteria provided, multiple submitters, no conflicts (2 of 4 stars). 3 submissions from 3 submitters: Uncertain significance (3). Last evaluated 2025-12-03.

Conditions:
FUS-related disorder. Also called: FUS-related condition.
Amyotrophic lateral sclerosis type 6. Also called: Amyotrophic lateral sclerosis 6, with or without frontotemporal dementia; FUS-Related Amyotrophic Laterial Sclerosis; AMYOTROPHIC LATERAL SCLEROSIS 6 WITHOUT FRONTOTEMPORAL DEMENTIA. Identifiers: Orphanet 275872, Orphanet 803, MedGen C2931786, MONDO:0011951, OMIM 608030.
Tremor, hereditary essential, 4 (ETM4). Identifiers: MedGen C3539195, MONDO:0013888, OMIM 614782.

Allele frequency attached by ClinVar (database versions not stated): gnomAD exomes 0.00001 and 0.00002; ExAC 0.00002; TOPMed 0.00003; gnomAD 0.00004; ESP Exome Variant Server 0.00008.
gnomAD v4.1: 37 of 1,614,018 alleles (0.0023%); highest among the groups gnomAD compares: South Asian, 0.011%; 1 homozygote.

Submissions (3):

PreventionGenetics, part of Exact Sciences
Classification: Uncertain significance for FUS-related condition. Last evaluated: 2025-12-03. Review status: criteria provided, single submitter. Criteria: ACMG Guidelines, 2015. Collection method: clinical testing. Allele origin: germline.
Comment: The FUS c.788A>G variant is predicted to result in the amino acid substitution p.Asn263Ser. This variant has been reported in the presence of a variant in SYNE1 in an individual with benign essential blepharospasm (referred to as c.776A>G, p.Asn259Ser in Dong et al. 2019. PubMed ID: 32038460) and in a cohort of individuals with amyotrophic lateral sclerosis (referred to as c.785A>G, p.Asn262Ser, eTable 1, Grassano et al. 2022. PubMed ID: 35896380). This variant is reported in 0.012% of alleles in individuals of African descent in gnomAD. Although we suspect that this variant may be benign, at this time, the clinical significance of this variant is uncertain due to the absence of conclusive functional and genetic evidence.

Labcorp Genetics (formerly Invitae), Labcorp
Classification: Uncertain significance for Tremor, hereditary essential, 4; Amyotrophic lateral sclerosis type 6. Last evaluated: 2022-07-13. Review status: criteria provided, single submitter. Criteria: Invitae Variant Classification Sherloc (09022015). Collection method: clinical testing. Allele origin: germline.
Comment: In summary, the available evidence is currently insufficient to determine the role of this variant in disease. Therefore, it has been classified as a Variant of Uncertain Significance. Algorithms developed to predict the effect of missense changes on protein structure and function (SIFT, PolyPhen-2, Align-GVGD) all suggest that this variant is likely to be tolerated. ClinVar contains an entry for this variant (Variation ID: 994881). This variant is also known as c.776A>G (p.Asn259Ser). This missense change has been observed in individual(s) with benign essential blepharospasm (PMID: 32038460). This variant is present in population databases (rs144917373, gnomAD 0.01%). This sequence change replaces asparagine, which is neutral and polar, with serine, which is neutral and polar, at codon 263 of the FUS protein (p.Asn263Ser).

Athena Diagnostics
Classification: Uncertain significance. Last evaluated: 2020-03-17. Review status: criteria provided, single submitter. Criteria: Athena Diagnostics Criteria. Collection method: clinical testing. Allele origin: unknown.

Literature cited by the submitters: PubMed 32038460 (cited by Labcorp Genetics (formerly Invitae), Labcorp); PubMed 25631824 (cited by Athena Diagnostics); PubMed 24738488 (cited by Athena Diagnostics).

NM_004960.4(FUS):c.788A>G (p.Asn263Ser)

Gene: FUS (FUS RNA binding protein; plus strand). Cytogenetic location: 16p11.2.
Variant type: single nucleotide variant.
Coding change: c.788A>G on transcript NM_004960.4 (MANE Select); coding-DNA position 788, A replaced by G.
Protein change: p.Asn263Ser; replaces asparagine 263 with serine.
Molecular consequence: missense variant.
Genome position (GRCh38, 1-based): chr16:31,186,825, A>G. VCF-style: chr16-31186825-A-G. GRCh37 (hg19) VCF-style: chr16-31198146-A-G.
Other names: c.776A>G, p.Asn259Ser (NM_001170937.1); c.785A>G, p.Asn262Ser (NM_001170634.1); short protein forms N259S, N262S, N263S.
Identifiers: ClinVar variation 994881 (VCV000994881.7), dbSNP rs144917373, ClinGen allele CA8023808.